The following is an entry in ClinVar:

NM_002878.4(RAD51D):c.317T>C (p.Val106Ala)

Genes: RAD51D (RAD51 paralog D; minus strand), RAD51L3-RFFL (RAD51L3-RFFL readthrough; minus strand). Cytogenetic location: 17q12.
Variant type: single nucleotide variant.
Coding change: c.317T>C on transcript NM_002878.4 (MANE Select); coding-DNA position 317, T replaced by C.
Protein change: p.Val106Ala; replaces valine 106 with alanine.
Molecular consequence: missense variant. On other transcripts: non-coding transcript variant (2), intron variant (1).
Genome position (GRCh38, 1-based): chr17:35,107,394, A>G on the plus strand (T>C on the coding strand, the complement: RAD51D is on the minus strand). VCF-style: chr17-35107394-A-G. GRCh37 (hg19) VCF-style: chr17-33434413-A-G.
Other names: c.377T>C, p.Val126Ala (NM_001142571.2); c.145-913T>C (NM_133629.3); short protein forms V106A, V126A.
Identifiers: ClinVar variation 4756344 (VCV004756344.1).

ClinVar aggregate classification (germline): Uncertain significance (1 of 4 stars; one submission).

Conditions:
Hereditary cancer-predisposing syndrome. Also called: Tumor predisposition; Hereditary Cancer Syndrome; Neoplastic Syndromes, Hereditary; Hereditary neoplastic syndrome. Identifiers: Orphanet 140162, MedGen C0027672, MeSH D009386, MONDO:0015356.

Submission:

Color Diagnostics, LLC DBA Color Health
Classification: Uncertain significance for Hereditary cancer-predisposing syndrome. Last evaluated: 2025-12-08. Review status: criteria provided, single submitter. Criteria: ACMG Guidelines, 2015. Collection method: clinical testing. Allele origin: germline.
Comment: This missense variant replaces valine with alanine at codon 106 of the RAD51D protein. Computational prediction suggests that this variant may not impact protein structure and function. To our knowledge, functional studies have not been reported for this variant. This variant has not been reported in individuals affected with RAD51D-related disorders in the literature. This variant has been identified in 0/1565688 chromosomes in the general population by the Genome Aggregation Database (gnomAD). The available evidence is insufficient to determine the role of this variant in disease conclusively. Therefore, this variant is classified as a Variant of Uncertain Significance.